The following is an entry in ClinVar:

NM_002430.3(MN1):c.1611G>A (p.Gln537=)

Gene: MN1 (MN1 proto-oncogene, transcriptional regulator; minus strand). Cytogenetic location: 22q12.1.
Variant type: single nucleotide variant.
Coding change: c.1611G>A on transcript NM_002430.3 (MANE Select); coding-DNA position 1611, G replaced by A.
Protein change: p.Gln537=; no amino-acid change (glutamine 537 retained).
Molecular consequence: synonymous variant.
Genome position (GRCh38, 1-based): chr22:27,798,933, C>T on the plus strand (G>A on the coding strand, the complement: MN1 is on the minus strand). VCF-style: chr22-27798933-C-T. GRCh37 (hg19) VCF-style: chr22-28194921-C-T.
Identifiers: ClinVar variation 2653024 (VCV002653024.24), dbSNP rs552250669, ClinGen allele CA322884508.

ClinVar aggregate classification (germline): Likely benign (1 of 4 stars; one submission).

Allele frequency attached by ClinVar (database versions not stated): gnomAD 0.00001; 1000 Genomes Project 0.00020.
gnomAD v4.1: 2 of 1,561,028 alleles (0.00013%); highest among the groups gnomAD compares: Non-Finnish European, 0.000087%; no homozygotes.

Submission:

CeGaT Center for Human Genetics Tuebingen
Classification: Likely benign. Last evaluated: 2023-10-01. Review status: criteria provided, single submitter. Criteria: CeGaT Center For Human Genetics Tuebingen Variant Classification Criteria Version 2. Collection method: clinical testing. Allele origin: germline. Affected: yes. Observed: 1 variant allele.
Comment: MN1: BP4, BP7